The following is an entry in ClinVar:

ClinVar aggregate classification (germline): Uncertain significance (1 of 4 stars; one submission).

Submission:

Dasa
Classification: Uncertain significance. Last evaluated: 2026-08-13. Review status: criteria provided, single submitter. Criteria: DASA Assertion Criteria. Collection method: clinical testing. Allele origin: germline.
Comment: NM_000334.4(SCN4A):c.5140T>C (p.Ser1714Pro) is a missense variant that results in the substitution of serine with proline. This variant is rare in population databases. Computational prediction algorithms are consistent with a deleterious effect. The currently available literature and clinical evidence are not sufficient to establish a definitive association between this variant and the reported condition. Therefore, this variant is classified as a variant of uncertain significance.

NM_000334.4(SCN4A):c.5140T>C (p.Ser1714Pro)

Genes: GH-LCR (growth hormone locus control region; plus strand), SCN4A (sodium voltage-gated channel alpha subunit 4; minus strand). Cytogenetic location: 17q23.3.
Variant type: single nucleotide variant.
Coding change: c.5140T>C on transcript NM_000334.4 (MANE Select); coding-DNA position 5140, T replaced by C.
Protein change: p.Ser1714Pro; replaces serine 1714 with proline.
Molecular consequence: missense variant.
Genome position (GRCh38, 1-based): chr17:63,941,142, A>G on the plus strand (T>C on the coding strand, the complement: SCN4A is on the minus strand). VCF-style: chr17-63941142-A-G. GRCh37 (hg19) VCF-style: chr17-62018502-A-G.
Other names: short protein forms S1714P.
Identifiers: ClinVar variation 5020333 (VCV005020333.1).